The following is an entry in ClinVar:

ClinVar aggregate classification (germline): Uncertain significance (1 of 4 stars; one submission).

Submission:

Labcorp Genetics (formerly Invitae), Labcorp
Classification: Uncertain significance. Last evaluated: 2025-07-30. Review status: criteria provided, single submitter. Criteria: Invitae Variant Classification Sherloc (09022015). Collection method: clinical testing. Allele origin: germline.
Comment: This sequence change creates a premature translational stop signal (p.Leu82Serfs*8) in the GUCA1B gene. It is expected to result in an absent or disrupted protein product. However, the current clinical and genetic evidence is not sufficient to establish whether loss-of-function variants in GUCA1B cause disease. This variant is not present in population databases (gnomAD no frequency). This variant has not been reported in the literature in individuals affected with GUCA1B-related conditions. In summary, the available evidence is currently insufficient to determine the role of this variant in disease. Therefore, it has been classified as a Variant of Uncertain Significance.

NM_002098.6(GUCA1B):c.224_243dup (p.Leu82fs)

Gene: GUCA1B (guanylate cyclase activator 1B; minus strand). Cytogenetic location: 6p21.1.
Variant type: Duplication.
Coding change: c.224_243dup on transcript NM_002098.6 (MANE Select); coding-DNA positions 224 to 243, 20 bases duplicated (TCCTGGAGTACGTGGCAGCT).
Protein change: p.Leu82fs; shifts the reading frame from leucine 82.
Molecular consequence: frameshift variant.
Genome position (GRCh38, 1-based): chr6:42,188,696-42,188,715, AGCTGCCACGTACTCCAGGA duplicated on the plus strand (TCCTGGAGTACGTGGCAGCT on the coding strand, the reverse complement: GUCA1B is on the minus strand); duplicating any 20 consecutive bases within chr6:42,188,696-42,188,717 gives the same sequence; the c. name uses the placement nearest the transcript's 3' end. VCF-style (leftmost placement, unchanged base first): chr6-42188695-G-GAGCTGCCACGTACTCCAGGA. GRCh37 (hg19) VCF-style: chr6-42156433-G-GAGCTGCCACGTACTCCAGGA.
Other names: short protein forms L82fs.
Identifiers: ClinVar variation 4809898 (VCV004809898.1).